The following is an entry in ClinVar:

NM_013335.4(GMPPA):c.945G>A (p.Glu315=)

Genes: ASIC4-AS1 (ASIC4 antisense RNA 1; minus strand), GMPPA (GDP-mannose pyrophosphorylase A; plus strand). Cytogenetic location: 2q35.
Variant type: single nucleotide variant.
Coding change: c.945G>A on transcript NM_013335.4 (MANE Select); coding-DNA position 945, G replaced by A.
Protein change: p.Glu315=; no amino-acid change (glutamic acid 315 retained).
Molecular consequence: synonymous variant.
Genome position (GRCh38, 1-based): chr2:219,506,024, G>A. VCF-style: chr2-219506024-G-A. GRCh37 (hg19) VCF-style: chr2-220370746-G-A.
Other names: c.945G>A, p.Glu315= (NM_205847.3).
Identifiers: ClinVar variation 380091 (VCV000380091.12), dbSNP rs13428617, ClinGen allele CA2128367.

ClinVar aggregate classification (germline): Benign. Review status: criteria provided, multiple submitters, no conflicts (2 of 4 stars). 3 submissions from 3 submitters: Benign (3). Last evaluated 2026-01-09.

Conditions:
Alacrima, achalasia, and impaired intellectual development syndrome. Also called: Alacrima, achalasia, and mental retardation syndrome; Alacrima, achalasia, and intellectual disability syndrome. Identifiers: Orphanet 869, MedGen C4706563, MONDO:0014219, OMIM 615510.

Allele frequency attached by ClinVar (database versions not stated): gnomAD exomes 0.00199 and 0.00502; ExAC 0.01136; gnomAD 0.02201 and 0.02062; ESP Exome Variant Server 0.02224; 1000 Genomes Project 0.02017; 1000 Genomes Project 30x 0.02077; TOPMed 0.02362.
gnomAD v4.1: 6,148 of 1,596,340 alleles (0.39%); highest among the groups gnomAD compares: African/African-American, 7.1%; 214 homozygotes.

Submissions (13):

Labcorp Genetics (formerly Invitae), Labcorp
Classification: Benign for Alacrima, achalasia, and impaired intellectual development syndrome. Last evaluated: 2026-01-09. Review status: criteria provided, single submitter. Criteria: Invitae Variant Classification Sherloc (09022015). Collection method: clinical testing. Allele origin: germline.

GeneDx
Classification: Benign. Last evaluated: 2016-02-15. Review status: criteria provided, single submitter. Criteria: GeneDx Variant Classification (06012015). Collection method: clinical testing. Allele origin: germline. Affected: yes.
Comment: This variant is considered likely benign or benign based on one or more of the following criteria: it is a conservative change, it occurs at a poorly conserved position in the protein, it is predicted to be benign by multiple in silico algorithms, and/or has population frequency not consistent with disease.

Breakthrough Genomics
Classification: Benign. Review status: criteria provided, single submitter. Criteria: ACMG Guidelines, 2015. Collection method: not provided. Allele origin: germline. Inheritance: Autosomal recessive inheritance. Affected: yes.

Dr. Peter K. Rogan Lab, Western University
No classification provided (evidence only). Condition: Lung cancer. Review status: no classification provided. Collection method: in vitro. Allele origin: not applicable. Functional consequence: retained intron. Not counted in ClinVar's aggregate classification.

Dr. Peter K. Rogan Lab, Western University
No classification provided (evidence only). Condition: Sarcoma. Review status: no classification provided. Collection method: in vitro. Allele origin: not applicable. Functional consequence: retained intron. Not counted in ClinVar's aggregate classification.

Dr. Peter K. Rogan Lab, Western University
No classification provided (evidence only). Condition: Hepatocellular carcinoma. Review status: no classification provided. Collection method: in vitro. Allele origin: not applicable. Functional consequence: retained intron. Not counted in ClinVar's aggregate classification.

Dr. Peter K. Rogan Lab, Western University
No classification provided (evidence only). Condition: Ovarian serous cystadenocarcinoma. Review status: no classification provided. Collection method: in vitro. Allele origin: not applicable. Functional consequence: retained intron. Not counted in ClinVar's aggregate classification.

Dr. Peter K. Rogan Lab, Western University
No classification provided (evidence only). Condition: Ovarian serous cystadenocarcinoma. Review status: no classification provided. Collection method: in vitro. Allele origin: not applicable. Functional consequence: retained intron. Not counted in ClinVar's aggregate classification.

Dr. Peter K. Rogan Lab, Western University
No classification provided (evidence only). Condition: Ovarian serous cystadenocarcinoma. Review status: no classification provided. Collection method: in vitro. Allele origin: not applicable. Functional consequence: retained intron. Not counted in ClinVar's aggregate classification.

Dr. Peter K. Rogan Lab, Western University
No classification provided (evidence only). Condition: Ovarian serous cystadenocarcinoma. Review status: no classification provided. Collection method: in vitro. Allele origin: not applicable. Functional consequence: retained intron. Not counted in ClinVar's aggregate classification.

Dr. Peter K. Rogan Lab, Western University
No classification provided (evidence only). Condition: Gastric cancer. Review status: no classification provided. Collection method: in vitro. Allele origin: not applicable. Functional consequence: retained intron. Not counted in ClinVar's aggregate classification.

Dr. Peter K. Rogan Lab, Western University
No classification provided (evidence only). Condition: Gastric cancer. Review status: no classification provided. Collection method: in vitro. Allele origin: not applicable. Functional consequence: retained intron. Not counted in ClinVar's aggregate classification.

Dr. Peter K. Rogan Lab, Western University
No classification provided (evidence only). Condition: Malignant tumor of esophagus. Review status: no classification provided. Collection method: in vitro. Allele origin: not applicable. Functional consequence: retained intron. Not counted in ClinVar's aggregate classification.